The following is an entry in ClinVar:

NM_004714.3(DYRK1B):c.1165C>T (p.Arg389Trp)

Gene: DYRK1B (dual specificity tyrosine phosphorylation regulated kinase 1B; minus strand). Cytogenetic location: 19q13.2.
Variant type: single nucleotide variant.
Coding change: c.1165C>T on transcript NM_004714.3 (MANE Select); coding-DNA position 1165, C replaced by T.
Protein change: p.Arg389Trp; replaces arginine 389 with tryptophan.
Molecular consequence: missense variant. On other transcripts: intron variant (2).
Genome position (GRCh38, 1-based): chr19:39,826,918, G>A on the plus strand (C>T on the coding strand, the complement: DYRK1B is on the minus strand). VCF-style: chr19-39826918-G-A. GRCh37 (hg19) VCF-style: chr19-40317558-G-A.
Other names: c.1096-51C>T (NM_006483.3); c.1131+34C>T (NM_006484.3); short protein forms R389W.
Identifiers: ClinVar variation 4988607 (VCV004988607.1).
Genomic context (GRCh38, chr19:39,826,918, plus strand): 5'-GCACCAGGTCCTGGAAGCGGAGGTAGTCGGCGGGGCTGTGGCCCGGCTCCCCCGCCCGCC[G>A]GCCCCCGGGCCCGCCCGTCTGCACGCCCAGCACCTCCTGCAGCCGCCGTGTCCCGGGGCC-3'
Protein context (NP_004705.1, residues 379-399): LGVQTGGPGG[Arg389Trp]RAGEPGHSPA

ClinVar aggregate classification (germline): Uncertain significance (1 of 4 stars; one submission).

Conditions:
DYRK1B-related disorder. Also called: DYRK1B-related condition.

gnomAD v4.1: 3 of 1,381,444 alleles (0.00022%); highest among the groups gnomAD compares: Non-Finnish European, 0.00028%; no homozygotes.

Submission:

PreventionGenetics, part of Exact Sciences
Classification: Uncertain significance for DYRK1B-related condition. Last evaluated: 2025-02-25. Review status: criteria provided, single submitter. Criteria: ACMG Guidelines, 2015. Collection method: clinical testing. Allele origin: germline.
Comment: The DYRK1B c.1165C>T variant is predicted to result in the amino acid substitution p.Arg389Trp. To our knowledge, this variant has not been reported in the literature or in a large population database (gnomAD), indicating this variant is rare. At this time, the clinical significance of this variant is uncertain due to the absence of conclusive functional and genetic evidence.